The following is an entry in ClinVar:

ClinVar aggregate classification (germline): Conflicting classifications of pathogenicity. Review status: criteria provided, conflicting classifications (1 of 4 stars). 17 submissions from 16 submitters: Uncertain significance (1); Benign (8); Likely benign (2). 6 of the submissions do not count toward it. Last evaluated 2026-02-04.

Conditions:
Pontocerebellar hypoplasia type 7. Identifiers: Orphanet 284339, MedGen C3554226, MONDO:0013993, OMIM 614969.
Hereditary cancer-predisposing syndrome. Also called: Neoplastic Syndromes, Hereditary; Hereditary Cancer Syndrome; Tumor predisposition; Hereditary neoplastic syndrome. Identifiers: Orphanet 140162, MedGen C0027672, MeSH D009386, MONDO:0015356.
Carcinoma of colon (CRC). Also called: Colonic carcinoma; Colon carcinoma. Identifiers: MedGen C0699790, MONDO:0002032.
Familial adenomatous polyposis 2. Also called: COLORECTAL ADENOMATOUS POLYPOSIS, AUTOSOMAL RECESSIVE; ADENOMAS, MULTIPLE COLORECTAL, AUTOSOMAL RECESSIVE; MUTYH-associated polyposis; MUTYH-related attenuated familial adenomatous polyposis; FAP type 2; MYH-associated polyposis. Identifiers: Orphanet 220460, Orphanet 247798, MedGen C3272841, MONDO:0012041, OMIM 608456.

Allele frequency attached by ClinVar (database versions not stated): gnomAD 0.00299; TOPMed 0.00303; 1000 Genomes Project 30x 0.00625; 1000 Genomes Project 0.00679; ExAC 0.00372; ESP Exome Variant Server 0.00038.
gnomAD v4.1: 3,348 of 1,613,756 alleles (0.21%); highest among the groups gnomAD compares: East Asian, 3.9%; 62 homozygotes.

Submissions (17):

Labcorp Genetics (formerly Invitae), Labcorp
Classification: Benign for Familial adenomatous polyposis 2. Last evaluated: 2026-02-04. Review status: criteria provided, single submitter. Criteria: Invitae Variant Classification Sherloc (09022015). Collection method: clinical testing. Allele origin: germline.

Center for Genomic Medicine, Rigshospitalet, Copenhagen University Hospital
Classification: Benign. Last evaluated: 2025-03-04. Review status: criteria provided, single submitter. Criteria: ACMG Guidelines, 2015. Collection method: clinical testing. Allele origin: germline.

Blueprint Genetics
Classification: Likely benign. Last evaluated: 2024-11-25. Review status: criteria provided, single submitter. Criteria: ACMG Guidelines, 2015. Collection method: clinical testing. Allele origin: germline.

Department of Pathology and Laboratory Medicine, Sinai Health System
Classification: Likely benign for Familial adenomatous polyposis 2. Last evaluated: 2023-06-20. Review status: criteria provided, single submitter. Criteria: ACMG Guidelines, 2015. Collection method: clinical testing. Allele origin: germline. Affected: yes.

ARUP Laboratories, Molecular Genetics and Genomics, ARUP Laboratories
Classification: Benign for Pontocerebellar hypoplasia type 7. Last evaluated: 2023-04-28. Review status: criteria provided, single submitter. Criteria: ARUP Molecular Germline Variant Investigation Process 2024. Collection method: clinical testing. Allele origin: germline.

Genetic Services Laboratory, University of Chicago
Classification: Benign. Last evaluated: 2020-05-07. Review status: criteria provided, single submitter. Criteria: ACMG Guidelines, 2015. Collection method: clinical testing. Allele origin: germline. Affected: no.

Illumina Laboratory Services, Illumina
Classification: Uncertain significance for Familial adenomatous polyposis 2. Last evaluated: 2018-02-27. Review status: criteria provided, single submitter. Criteria: ICSL Variant Classification Criteria 13 December 2019. Collection method: clinical testing. Allele origin: germline.
Comment: This variant was observed as part of a predisposition screen in an ostensibly healthy population. A literature search was performed for the gene, cDNA change, and amino acid change (where applicable). Publications were found based on this search. However, the evidence from the literature, in combination with allele frequency data from public databases where available, was not sufficient to rule this variant in or out of causing disease. Therefore, this variant is classified as a variant of unknown significance.

Color Diagnostics, LLC DBA Color Health
Classification: Benign for Hereditary cancer-predisposing syndrome. Last evaluated: 2016-05-03. Review status: criteria provided, single submitter. Criteria: ACMG Guidelines, 2015. Collection method: clinical testing. Allele origin: germline.

Ambry Genetics
Classification: Benign for Hereditary cancer-predisposing syndrome. Last evaluated: 2014-12-17. Review status: criteria provided, single submitter. Criteria: Ambry Variant Classification Scheme 2023. Collection method: clinical testing. Allele origin: germline.

GeneDx
Classification: Benign. Last evaluated: 2014-02-28. Review status: criteria provided, single submitter. Criteria: GeneDx Variant Classification (06012015). Collection method: clinical testing. Allele origin: germline. Affected: yes.
Comment: This variant is considered likely benign or benign based on one or more of the following criteria: it is a conservative change, it occurs at a poorly conserved position in the protein, it is predicted to be benign by multiple in silico algorithms, and/or has population frequency not consistent with disease.

PreventionGenetics, part of Exact Sciences
Classification: Benign. Review status: criteria provided, single submitter. Criteria: ACMG Guidelines, 2015. Collection method: clinical testing. Allele origin: germline.

Clinical Genetics DNA and cytogenetics Diagnostics Lab, Erasmus MC, Erasmus Medical Center
Classification: Benign. Review status: no assertion criteria provided. Collection method: clinical testing. Allele origin: germline. Affected: yes. Study: VKGL Data-share Consensus. Not counted in ClinVar's aggregate classification.

Clinical Genetics, Academic Medical Center
Classification: Benign. Review status: no assertion criteria provided. Collection method: clinical testing. Allele origin: germline. Affected: yes. Study: VKGL Data-share Consensus. Not counted in ClinVar's aggregate classification.

Department of Pathology and Laboratory Medicine, Sinai Health System
Classification: Likely benign for Carcinoma of colon. Review status: no assertion criteria provided. Collection method: clinical testing. Allele origin: unknown. Affected: yes. Study: The Canadian Open Genetics Repository (COGR). Not counted in ClinVar's aggregate classification.
Comment: The MUTYH c.36+11C>T variant was identified in 7 of 276 proband chromosomes (frequency: 0.04) from individuals or families with (Shinmura 2014,Tao 2004, Zhou 2005). The variant was also identified in dbSNP (ID: rs2275602) as "With other allele", in ClinVar (3x as Benign by GeneDx, Colour Genomics and Prevention Genetics), Insight Colon Cancer Gene Variant Database (4x), and in UMD-LSDB (2x as unclassified variant). The variant was also identified by our laboratory in 7 individuals including 6 with a clinical indication for hereditary colon cancer testing. The variant was not identified in GeneInsight-COGR, Cosmic, or MutDB databases. The variant was identified in control databases in 914 of 275438 chromosomes (11 homozygous) at a frequency of 0.003 increasing the likelihood this could be a low frequency benign variant (Genome Aggregation Database Feb 27, 2017). The variant was observed in the following populations: African in 2 of 23810 chromosomes (freq: 0.00008), Other in 17 of 6424 chromosomes (freq: 0.003), Latino in 3 of 34366 chromosomes (freq: 0.00009), European Non-Finnish in 133 of 125622 chromosomes (freq: 0.001), East Asian in 467 of 18808 chromosomes (freq: 0.02), Finnish in 213 of 25526 chromosomes (freq: 0.008), and South Asian in 79 of 30766 chromosomes (freq: 0.003), while the variant was not observed in the Ashkenazi Jewish population. The variant occurs outside of the splicing consensus sequence and in silico or computational prediction software programs (SpliceSiteFinder, MaxEntScan, NNSPLICE, GeneSplicer, HumanSpliceFinder) do not predict a difference in splicing; however, the c.36+11C>T variant is located in the boundary region between MUTYH exon 1 and intron 1 and many reports have suggested that gene variants in the neighborhood of the junction are often accompanied by abnormal splicing (Tao 2008). In a Japanese population-based study, a statistically significant association was demonstrated between this variant and increased CRC risk (Tao 2008). Moreover, one haplotype containing the variant c.36+11T was demonstrated to be associated with increased CRC risk (OR of 1.43, haplotype .36+11C>T, c.504+35A>G, c.934â€šÃ Ã­2A>G, and c.1014G>C, â€šÃ„ÃºTGACâ€šÃ„Ã¹). The c.36+11C>T variant was found to be in complete linkage disequilibrium with two other MUTYH variants, â€šÃ„Ã¬280G>A and c.1389G>C. These results indicate that individuals with the MUTYH â€šÃ„Ã¬ 280A/c.36+11T/c.1431C genotypes or the TGAC haplotype are susceptible to CRC (Tao 2008). In summary, based on the above information the clinical significance of this variant cannot be determined with certainty at this time although we would lean towards a more benign role for this variant. This variant is classified as likely benign.

Genome Diagnostics Laboratory, Amsterdam University Medical Center
Classification: Benign. Review status: no assertion criteria provided. Collection method: clinical testing. Allele origin: germline. Affected: yes. Study: VKGL Data-share Consensus. Not counted in ClinVar's aggregate classification.

Joint Genome Diagnostic Labs from Nijmegen and Maastricht, Radboudumc and MUMC+
Classification: Benign. Review status: no assertion criteria provided. Collection method: clinical testing. Allele origin: germline. Affected: yes. Study: VKGL Data-share Consensus. Not counted in ClinVar's aggregate classification.

Laboratory of Diagnostic Genome Analysis, Leiden University Medical Center (LUMC)
Classification: Likely benign. Review status: no assertion criteria provided. Collection method: clinical testing. Allele origin: germline. Affected: yes. Study: VKGL Data-share Consensus. Not counted in ClinVar's aggregate classification.

Literature cited by the submitters: PubMed 15180946 (cited by Department of Pathology and Laboratory Medicine, Sinai Health System); PubMed 18271935 (cited by Department of Pathology and Laboratory Medicine, Sinai Health System and Illumina Laboratory Services, Illumina).

NM_025077.4(TOE1):c.-45G>A

Genes: MUTYH (mutY DNA glycosylase; minus strand), TOE1 (target of EGR1, exonuclease; plus strand). Cytogenetic location: 1p34.1.
Variant type: single nucleotide variant.
Coding change: c.-45G>A on transcript NM_025077.4 (MANE Select); 45 bases upstream of the start codon, G replaced by A.
Molecular consequence: 5 prime UTR variant. On other transcripts: intron variant (10).
Genome position (GRCh38, 1-based): chr1:45,340,208, G>A. VCF-style: chr1-45340208-G-A. GRCh37 (hg19) VCF-style: chr1-45805880-G-A.
Other names: c.-12C>T (NM_001407070.1, NM_001407071.1); c.-7+15C>T (NM_001407072.1); c.-214+11C>T (NM_001350651.2); c.-219+11C>T (NM_001293192.2); c.-278+11C>T (NM_001350650.2); c.36+11C>T (NM_001407073.1, NM_001293190.2, NM_001407069.1 and 2 more transcripts); c.-7+11C>T (NM_001048171.2).
Identifiers: ClinVar variation 138310 (VCV000138310.42), dbSNP rs2275602, ClinGen allele CA013424.